The following is an entry in ClinVar:

ClinVar aggregate classification (germline): Uncertain significance (1 of 4 stars; one submission).

Conditions:
Hereditary cancer-predisposing syndrome. Also called: Neoplastic Syndromes, Hereditary; Tumor predisposition; Hereditary Cancer Syndrome; Hereditary neoplastic syndrome. Identifiers: Orphanet 140162, MedGen C0027672, MeSH D009386, MONDO:0015356.

Submission:

Ambry Genetics
Classification: Uncertain significance for Hereditary cancer-predisposing syndrome. Last evaluated: 2024-11-02. Review status: criteria provided, single submitter. Criteria: Ambry Variant Classification Scheme 2023. Collection method: clinical testing. Allele origin: germline.
Comment: The p.S83F variant (also known as c.248C>T), located in coding exon 2 of the PRKAR1A gene, results from a C to T substitution at nucleotide position 248. The serine at codon 83 is replaced by phenylalanine, an amino acid with highly dissimilar properties. This amino acid position is conserved. In addition, this alteration is predicted to be deleterious by in silico analysis. Based on the available evidence, the clinical significance of this variant remains unclear.

NM_002734.5(PRKAR1A):c.248C>T (p.Ser83Phe)

Gene: PRKAR1A (protein kinase cAMP-dependent type I regulatory subunit alpha; plus strand). Cytogenetic location: 17q24.2.
Variant type: single nucleotide variant.
Coding change: c.248C>T on transcript NM_002734.5 (MANE Select); coding-DNA position 248, C replaced by T.
Protein change: p.Ser83Phe; replaces serine 83 with phenylalanine.
Molecular consequence: missense variant.
Genome position (GRCh38, 1-based): chr17:68,522,826, C>T. VCF-style: chr17-68522826-C-T. GRCh37 (hg19) VCF-style: chr17-66518967-C-T.
Other names: c.248C>T, p.Ser83Phe (NM_001276289.2, NM_001276290.1, NM_001278433.2 and 4 more transcripts); short protein forms S83F.
Identifiers: ClinVar variation 3425076 (VCV003425076.1).